The following is an entry in ClinVar:

NM_024577.4(SH3TC2):c.3054-65T>C

Gene: SH3TC2 (SH3 domain and tetratricopeptide repeats 2; minus strand). Cytogenetic location: 5q32.
Variant type: single nucleotide variant.
Coding change: c.3054-65T>C on transcript NM_024577.4 (MANE Select); 65 bases into the intron before coding-DNA position 3054, T replaced by C.
Molecular consequence: intron variant.
Genome position (GRCh38, 1-based): chr5:149,012,799, A>G on the plus strand (T>C on the coding strand, the complement: SH3TC2 is on the minus strand). VCF-style: chr5-149012799-A-G. GRCh37 (hg19) VCF-style: chr5-148392362-A-G.
Identifiers: ClinVar variation 671720 (VCV000671720.1), dbSNP rs11954893, ClinGen allele CA15394126.

ClinVar aggregate classification (germline): Benign (1 of 4 stars; one submission).

Allele frequency attached by ClinVar (database versions not stated): 1000 Genomes Project 0.20288; 1000 Genomes Project 30x 0.20472; TOPMed 0.22697; gnomAD 0.22839 and 0.23238.
gnomAD v4.1: 326,547 of 1,576,378 alleles (21%); highest among the groups gnomAD compares: African/African-American, 32%; 35,858 homozygotes.

Submission:

GeneDx
Classification: Benign. Last evaluated: 2018-06-14. Review status: criteria provided, single submitter. Criteria: GeneDx Variant Classification (06012015). Collection method: clinical testing. Allele origin: germline. Affected: yes.
Comment: This variant is considered likely benign or benign based on one or more of the following criteria: it is a conservative change, it occurs at a poorly conserved position in the protein, it is predicted to be benign by multiple in silico algorithms, and/or has population frequency not consistent with disease.